The following is an entry in ClinVar:

ClinVar aggregate classification (germline): Likely benign (1 of 4 stars; one submission).

Submission:

GeneDx
Classification: Likely benign. Last evaluated: 2018-06-04. Review status: criteria provided, single submitter. Criteria: GeneDx Variant Classification (06012015). Collection method: clinical testing. Allele origin: germline. Affected: yes.
Comment: This variant is considered likely benign or benign based on one or more of the following criteria: it is a conservative change, it occurs at a poorly conserved position in the protein, it is predicted to be benign by multiple in silico algorithms, and/or has population frequency not consistent with disease.

NM_020297.4(ABCC9):c.444A>G (p.Lys148=)

Gene: ABCC9 (ATP binding cassette subfamily C member 9; minus strand). Cytogenetic location: 12p12.1.
Variant type: single nucleotide variant.
Coding change: c.444A>G on transcript NM_020297.4 (MANE Select); coding-DNA position 444, A replaced by G.
Protein change: p.Lys148=; no amino-acid change (lysine 148 retained).
Molecular consequence: synonymous variant. On other transcripts: intron variant (1).
Genome position (GRCh38, 1-based): chr12:21,917,066, T>C on the plus strand (A>G on the coding strand, the complement: ABCC9 is on the minus strand). VCF-style: chr12-21917066-T-C. GRCh37 (hg19) VCF-style: chr12-22070000-T-C.
Other names: c.444A>G, p.Lys148= (NM_001377273.1, NM_005691.4); c.-48-4000A>G (NM_001377274.1).
Identifiers: ClinVar variation 668693 (VCV000668693.1), dbSNP rs1592230378, ClinGen allele CA478872058.
Genomic context (GRCh38, chr12:21,917,066, plus strand): 5'-GCAGAAACGCAGGTTTGATATGTCCAAGCCAGACTGACAGTACTTAACCAATTTTATTGT[T>C]TTTGTAATAAAGGCCATTACCCAATACAGGAACAGGGCTGAAAAGAAAAAGACAAAAAGA-3'
Protein context (NP_064693.2, residues 138-158): FLYWVMAFIT[Lys148=]TIKLVKYCQS